The following is an entry in ClinVar:

NM_014055.4(IFT81):c.301G>T (p.Val101Leu)

Gene: IFT81 (intraflagellar transport 81; plus strand). Cytogenetic location: 12q24.11.
Variant type: single nucleotide variant.
Coding change: c.301G>T on transcript NM_014055.4 (MANE Select); coding-DNA position 301, G replaced by T.
Protein change: p.Val101Leu; replaces valine 101 with leucine.
Molecular consequence: missense variant. On other transcripts: 5 prime UTR variant (2), non-coding transcript variant (4).
Genome position (GRCh38, 1-based): chr12:110,129,002, G>T. VCF-style: chr12-110129002-G-T. GRCh37 (hg19) VCF-style: chr12-110566807-G-T.
Other names: c.301G>T, p.Val101Leu (NM_001143779.2, NM_001347946.2, NM_031473.4); c.-466G>T (NM_001347947.2, NM_001347948.2); short protein forms V101L.
Identifiers: ClinVar variation 2131322 (VCV002131322.4), dbSNP rs1894012944, ClinGen allele CA386907308.

ClinVar aggregate classification (germline): Uncertain significance (1 of 4 stars; one submission).

Allele frequency attached by ClinVar (database versions not stated): TOPMed below 0.00001.

Submission:

Labcorp Genetics (formerly Invitae), Labcorp
Classification: Uncertain significance. Last evaluated: 2022-04-28. Review status: criteria provided, single submitter. Criteria: Invitae Variant Classification Sherloc (09022015). Collection method: clinical testing. Allele origin: germline.
Comment: In summary, the available evidence is currently insufficient to determine the role of this variant in disease. Therefore, it has been classified as a Variant of Uncertain Significance. Algorithms developed to predict the effect of missense changes on protein structure and function (SIFT, PolyPhen-2, Align-GVGD) all suggest that this variant is likely to be tolerated. This variant has not been reported in the literature in individuals affected with IFT81-related conditions. This variant is not present in population databases (gnomAD no frequency). This sequence change replaces valine, which is neutral and non-polar, with leucine, which is neutral and non-polar, at codon 101 of the IFT81 protein (p.Val101Leu).